The following is an entry in ClinVar:

NM_001142800.2(EYS):c.8422G>A (p.Ala2808Thr)

Genes: EYS (EGF-like photoreceptor maintenance factor; minus strand), PHF3 (PHD finger protein 3; plus strand). Cytogenetic location: 6q12.
Variant type: single nucleotide variant.
Coding change: c.8422G>A on transcript NM_001142800.2 (MANE Select); coding-DNA position 8422, G replaced by A.
Protein change: p.Ala2808Thr; replaces alanine 2808 with threonine.
Molecular consequence: missense variant. On other transcripts: 3 prime UTR variant (5).
Genome position (GRCh38, 1-based): chr6:63,721,609, C>T on the plus strand (G>A on the coding strand, the complement: EYS is on the minus strand). VCF-style: chr6-63721609-C-T. GRCh37 (hg19) VCF-style: chr6-64431505-C-T.
Other names: c.*7901C>T (NM_001290259.2, NM_001370348.2, NM_001370349.2 and 2 more transcripts); c.8485G>A, p.Ala2829Thr (NM_001292009.2); short protein forms A2808T, A2829T.
Identifiers: ClinVar variation 252538 (VCV000252538.37), dbSNP rs111991705, ClinGen allele CA3876710.

ClinVar aggregate classification (germline): Conflicting classifications of pathogenicity. Review status: criteria provided, conflicting classifications (1 of 4 stars). 12 submissions from 12 submitters: Uncertain significance (1); Benign (3); Likely benign (6). 2 of the submissions do not count toward it. Last evaluated 2026-08-01.

Conditions:
Retinal dystrophy. Also called: Inherited retinal dystrophy. Identifiers: Orphanet 71862, MedGen C0854723, MeSH D058499, MONDO:0019118, HP:0000556.
Retinitis pigmentosa (RP). Identifiers: Orphanet 791, MedGen C0035334, MeSH D012174, MONDO:0019200, OMIM 268000. Inheritance: Autosomal dominant, autosomal recessive and X linked inheritance.
Retinitis pigmentosa 25 (RP25). Identifiers: Orphanet 791, MedGen C1864446, MONDO:0011272, OMIM 602772.

Allele frequency attached by ClinVar (database versions not stated): gnomAD exomes 0.00510; ESP Exome Variant Server 0.00657; gnomAD 0.00667 and 0.00712; TOPMed 0.00720; ExAC 0.00983; 1000 Genomes Project 0.01478; 1000 Genomes Project 30x 0.01608.
gnomAD v4.1: 3,860 of 1,551,202 alleles (0.25%); highest among the groups gnomAD compares: African/African-American, 2.1%; 64 homozygotes.

Submissions (12):

CeGaT Center for Human Genetics Tuebingen
Classification: Benign. Last evaluated: 2026-08-01. Review status: criteria provided, single submitter. Criteria: CeGaT Center For Human Genetics Tuebingen Variant Classification Criteria Version 2. Collection method: clinical testing. Allele origin: germline. Affected: yes. Observed: 4 variant alleles.
Comment: EYS: BP4, BS1, BS2

Labcorp Genetics (formerly Invitae), Labcorp
Classification: Benign. Last evaluated: 2026-01-31. Review status: criteria provided, single submitter. Criteria: Invitae Variant Classification Sherloc (09022015). Collection method: clinical testing. Allele origin: germline.

Dept Of Ophthalmology, Nagoya University
Classification: Benign for Retinal dystrophy. Last evaluated: 2023-10-01. Review status: criteria provided, single submitter. Criteria: Submitter's publication. Collection method: research. Allele origin: germline. Affected: yes.

Women's Health and Genetics/Laboratory Corporation of America, LabCorp
Classification: Likely benign. Last evaluated: 2022-02-18. Review status: criteria provided, single submitter. Criteria: LabCorp Variant Classification Summary - May 2015. Collection method: clinical testing. Allele origin: germline.

ARUP Laboratories, Molecular Genetics and Genomics, ARUP Laboratories
Classification: Likely benign for Retinitis pigmentosa 25. Last evaluated: 2019-09-29. Review status: criteria provided, single submitter. Criteria: ARUP Molecular Germline Variant Investigation Process. Collection method: clinical testing. Allele origin: germline.

Mendelics
Classification: Likely benign for Retinitis pigmentosa 25. Last evaluated: 2019-05-28. Review status: criteria provided, single submitter. Criteria: Mendelics Assertion Criteria 2017. Collection method: clinical testing. Allele origin: unknown.

Illumina Laboratory Services, Illumina
Classification: Uncertain significance for Retinitis pigmentosa. Last evaluated: 2017-04-27. Review status: criteria provided, single submitter. Criteria: ICSL Variant Classification Criteria 13 December 2019. Collection method: clinical testing. Allele origin: germline.
Comment: This variant was observed as part of a predisposition screen in an ostensibly healthy population. A literature search was performed for the gene, cDNA change, and amino acid change (where applicable). Publications were found based on this search. However, the evidence from the literature, in combination with allele frequency data from public databases where available, was not sufficient to rule this variant in or out of causing disease. Therefore, this variant is classified as a variant of unknown significance.

GeneDx
Classification: Likely benign. Last evaluated: 2016-07-26. Review status: criteria provided, single submitter. Criteria: GeneDx Variant Classification (06012015). Collection method: clinical testing. Allele origin: germline. Affected: yes.
Comment: This variant is considered likely benign or benign based on one or more of the following criteria: it is a conservative change, it occurs at a poorly conserved position in the protein, it is predicted to be benign by multiple in silico algorithms, and/or has population frequency not consistent with disease.

Eurofins Ntd Llc (ga)
Classification: Likely benign. Last evaluated: 2016-05-24. Review status: criteria provided, single submitter. Criteria: EGL Classification Definitions 2015. Collection method: clinical testing. Allele origin: germline. Observed: 1 variant allele, 1 heterozygote.

Genomic Diagnostic Laboratory, Division of Genomic Diagnostics, Children's Hospital of Philadelphia
Classification: Likely benign. Last evaluated: 2015-10-01. Review status: criteria provided, single submitter. Criteria: DGD Variant Analysis Guidelines. Collection method: clinical testing. Allele origin: unknown.

Natera, Inc.
Classification: Benign for Retinitis pigmentosa. Last evaluated: 2019-12-27. Review status: no assertion criteria provided. Collection method: clinical testing. Allele origin: germline. Not counted in ClinVar's aggregate classification.

Counsyl
Classification: Likely benign for Retinitis pigmentosa 25. Last evaluated: 2017-06-19. Review status: no assertion criteria provided. Collection method: clinical testing. Allele origin: unknown. Not counted in ClinVar's aggregate classification.

Literature cited by the submitters: PubMed 20333770 (cited by Illumina Laboratory Services, Illumina and Counsyl); PubMed 26787102 (cited by Counsyl); PubMed 25097241 (cited by Counsyl); PubMed 25133751 (cited by Counsyl); PubMed 24938718 (cited by Counsyl).